The following is an entry in ClinVar:

ClinVar aggregate classification (germline): Pathogenic (1 of 4 stars; one submission).

Conditions:
Familial cancer of breast. Also called: hereditary breast carcinoma; BREAST CANCER, FAMILIAL; Hereditary breast cancer. Identifiers: Orphanet 227535, MedGen C0346153, MONDO:0016419, OMIM 114480. Disease mechanism: loss of function.

Submission:

Myriad Genetics, Inc.
Classification: Pathogenic for Familial cancer of breast. Last evaluated: 2025-07-14. Review status: criteria provided, single submitter. Criteria: Myriad Autosomal Dominant, Autosomal Recessive and X-Linked Classification Criteria (2023). Collection method: clinical testing. Allele origin: unknown.
Comment: This variant is considered pathogenic. This variant creates a frameshift predicted to result in premature protein truncation.

NM_024675.4(PALB2):c.2368del (p.Gln790fs)

Gene: PALB2 (partner and localizer of BRCA2; minus strand). Cytogenetic location: 16p12.2.
Variant type: Deletion.
Coding change: c.2368del on transcript NM_024675.4 (MANE Select); coding-DNA position 2368, one base deleted (C; older notation c.2368delC).
Protein change: p.Gln790fs; shifts the reading frame from glutamine 790.
Molecular consequence: frameshift variant. On other transcripts: intron variant (1).
Genome position (GRCh38, 1-based): chr16:23,629,786, G deleted on the plus strand (C on the coding strand, the reverse complement: PALB2 is on the minus strand). VCF-style (leftmost placement, unchanged base first): chr16-23629785-TG-T. GRCh37 (hg19) VCF-style: chr16-23641106-TG-T.
Other names: c.2308del, p.Gln770fs (NM_001407296.1); c.2368del, p.Gln790fs (NM_001407297.1, NM_001407298.1, NM_001407299.1 and 3 more transcripts); c.1483del, p.Gln495fs (NM_001407304.1, NM_001407305.1, NM_001407306.1 and 5 more transcripts); c.580del, p.Gln194fs (NM_001407312.1, NM_001407313.1); c.49-511del (NM_001407314.1); short protein forms Q194fs, Q495fs, Q770fs, Q790fs.
Identifiers: ClinVar variation 4294229 (VCV004294229.1).